The following is an entry in ClinVar:

ClinVar aggregate classification (germline): Uncertain significance. Review status: criteria provided, multiple submitters, no conflicts (2 of 4 stars). 3 submissions from 3 submitters: Uncertain significance (3). Last evaluated 2025-12-20.

Conditions:
EFEMP1-related disorder. Also called: EFEMP1-related condition.

Allele frequency attached by ClinVar (database versions not stated): gnomAD 0.00003 and 0.00004; TOPMed 0.00004; ESP Exome Variant Server 0.00008; gnomAD exomes 0.00001; ExAC 0.00002.
gnomAD v4.1: 24 of 1,613,366 alleles (0.0015%); highest among the groups gnomAD compares: African/African-American, 0.019%; no homozygotes.

Submissions (3):

Labcorp Genetics (formerly Invitae), Labcorp
Classification: Uncertain significance. Last evaluated: 2025-12-20. Review status: criteria provided, single submitter. Criteria: Invitae Variant Classification Sherloc (09022015). Collection method: clinical testing. Allele origin: germline.
Comment: This sequence change replaces arginine, which is basic and polar, with glutamine, which is neutral and polar, at codon 440 of the EFEMP1 protein (p.Arg440Gln). This variant is present in population databases (rs373990093, gnomAD 0.01%). This variant has not been reported in the literature in individuals affected with EFEMP1-related conditions. ClinVar contains an entry for this variant (Variation ID: 1525751). An algorithm developed to predict the effect of missense changes on protein structure and function (PolyPhen-2) suggests that this variant is likely to be disruptive. In summary, the available evidence is currently insufficient to determine the role of this variant in disease. Therefore, it has been classified as a Variant of Uncertain Significance.

PreventionGenetics, part of Exact Sciences
Classification: Uncertain significance for EFEMP1-related condition. Last evaluated: 2024-11-26. Review status: criteria provided, single submitter. Criteria: ACMG Guidelines, 2015. Collection method: clinical testing. Allele origin: germline.
Comment: The EFEMP1 c.1319G>A variant is predicted to result in the amino acid substitution p.Arg440Gln. To our knowledge, this variant has not been reported in the literature. This variant is reported in 0.012% of alleles in individuals of African descent in gnomAD. At this time, the clinical significance of this variant is uncertain due to the absence of conclusive functional and genetic evidence.

Blueprint Genetics
Classification: Uncertain significance. Last evaluated: 2021-10-12. Review status: criteria provided, single submitter. Criteria: ACMG Guidelines, 2015. Collection method: clinical testing. Allele origin: germline.

NM_001039348.3(EFEMP1):c.1319G>A (p.Arg440Gln)

Gene: EFEMP1 (EGF-like fibulin extracellular matrix protein 1; minus strand). Cytogenetic location: 2p16.1.
Variant type: single nucleotide variant.
Coding change: c.1319G>A on transcript NM_001039348.3 (MANE Select); coding-DNA position 1319, G replaced by A.
Protein change: p.Arg440Gln; replaces arginine 440 with glutamine.
Molecular consequence: missense variant.
Genome position (GRCh38, 1-based): chr2:55,870,721, C>T on the plus strand (G>A on the coding strand, the complement: EFEMP1 is on the minus strand). VCF-style: chr2-55870721-C-T. GRCh37 (hg19) VCF-style: chr2-56097856-C-T.
Other names: c.1319G>A, p.Arg440Gln (NM_001039349.3); c.1319G>A (NM_001039348.2); short protein forms R440Q.
Identifiers: ClinVar variation 1525751 (VCV001525751.10), dbSNP rs373990093, ClinGen allele CA1668717.